The following is an entry in ClinVar:

NM_000240.4(MAOA):c.1559A>G (p.Lys520Arg)

Gene: MAOA (monoamine oxidase A; plus strand). Cytogenetic location: Xp11.3.
Variant type: single nucleotide variant.
Coding change: c.1559A>G on transcript NM_000240.4 (MANE Select); coding-DNA position 1559, A replaced by G.
Protein change: p.Lys520Arg; replaces lysine 520 with arginine.
Molecular consequence: missense variant.
Genome position (GRCh38, 1-based): chrX:43,744,488, A>G. VCF-style: chrX-43744488-A-G. GRCh37 (hg19) VCF-style: chrX-43603735-A-G.
Other names: c.1160A>G, p.Lys387Arg (NM_001270458.2); short protein forms K520R, K387R.
Identifiers: ClinVar variation 435816 (VCV000435816.42), dbSNP rs1800466, ClinGen allele CA10391006.

ClinVar aggregate classification (germline): Conflicting classifications of pathogenicity. Review status: criteria provided, conflicting classifications (1 of 4 stars). 6 submissions from 6 submitters: Uncertain significance (1); Benign (2); Likely benign (1). 2 of the submissions do not count toward it. Last evaluated 2025-09-20.

Conditions:
Inborn genetic diseases. Identifiers: MedGen C0950123, MeSH D030342.
Brunner syndrome (BRNRS). Identifiers: Orphanet 3057, MedGen C0796275, MONDO:0010379, OMIM 300615.

Allele frequency attached by ClinVar (database versions not stated): gnomAD 0.00021 and 0.00022; gnomAD exomes 0.00023 and 0.00045; TOPMed 0.00028; ExAC 0.00040; ESP Exome Variant Server 0.00047.
gnomAD v4.1: 297 of 1,208,841 alleles (0.025%); highest among the groups gnomAD compares: Non-Finnish European, 0.007%; no homozygotes.

Submissions (6):

Labcorp Genetics (formerly Invitae), Labcorp
Classification: Benign for Brunner syndrome. Last evaluated: 2025-09-20. Review status: criteria provided, single submitter. Criteria: Invitae Variant Classification Sherloc (09022015). Collection method: clinical testing. Allele origin: germline.

CeGaT Center for Human Genetics Tuebingen
Classification: Likely benign. Last evaluated: 2023-12-01. Review status: criteria provided, single submitter. Criteria: CeGaT Center For Human Genetics Tuebingen Variant Classification Criteria Version 2. Collection method: clinical testing. Allele origin: germline. Affected: yes. Observed: 2 variant alleles.
Comment: MAOA: BP4, BS2

Ambry Genetics
Classification: Benign for Inborn genetic diseases. Last evaluated: 2019-01-08. Review status: criteria provided, single submitter. Criteria: Ambry Variant Classification Scheme 2023. Collection method: clinical testing. Allele origin: germline.

Genetic Services Laboratory, University of Chicago
Classification: Uncertain significance. Last evaluated: 2016-01-29. Review status: criteria provided, single submitter. Criteria: ACMG Guidelines, 2015. Collection method: clinical testing. Allele origin: germline. Affected: no.

Clinical Genetics DNA and cytogenetics Diagnostics Lab, Erasmus MC, Erasmus Medical Center
Classification: Likely benign. Review status: no assertion criteria provided. Collection method: clinical testing. Allele origin: germline. Affected: yes. Study: VKGL Data-share Consensus. Not counted in ClinVar's aggregate classification.

Laboratory of Diagnostic Genome Analysis, Leiden University Medical Center (LUMC)
Classification: Likely benign. Review status: no assertion criteria provided. Collection method: clinical testing. Allele origin: germline. Affected: yes. Study: VKGL Data-share Consensus. Not counted in ClinVar's aggregate classification.